The following is an entry in ClinVar:

ClinVar aggregate classification (germline): Conflicting classifications of pathogenicity. Review status: criteria provided, conflicting classifications (1 of 4 stars). 5 submissions from 5 submitters: Uncertain significance (1); Likely benign (3). 1 of the submissions does not count toward it. Last evaluated 2025-11-10.

Conditions:
Multiple endocrine neoplasia, type 2 (MEN2). Identifiers: Orphanet 653, MedGen C4048306, MONDO:0019003. Disease mechanism: gain of function.
RET-related disorder. Also called: RET-related condition; RET-related disease; RET-related disorders.
Hereditary cancer-predisposing syndrome. Also called: Hereditary Cancer Syndrome; Hereditary neoplastic syndrome; Tumor predisposition; Neoplastic Syndromes, Hereditary. Identifiers: Orphanet 140162, MedGen C0027672, MeSH D009386, MONDO:0015356.
Multiple endocrine neoplasia type 2B. Also called: Multiple endocrine neoplasia, type 3; MEN 2B; MULTIPLE ENDOCRINE NEOPLASIA, TYPE IIB; MUCOSAL NEUROMA SYNDROME; Multiple Endocrine Neoplasia Type 2B (MEN2B); MEN IIB. Identifiers: Orphanet 247709, Orphanet 653, MedGen C0025269, MeSH D018814, MONDO:0008082, OMIM 162300.
Hirschsprung disease, susceptibility to, 1 (HSCR1). Also called: RET-Related Hirschsprung Disease. Identifiers: Orphanet 388, MedGen C3888239, MONDO:0007723, OMIM 142623.
Pheochromocytoma. Also called: MAX-Related Hereditary Paraganglioma-Pheochromocytoma Syndrome. Identifiers: Orphanet 29072, MedGen C0031511, MONDO:0008233, OMIM 171300, HP:0002666.
Multiple endocrine neoplasia type 2A. Also called: MULTIPLE ENDOCRINE NEOPLASIA, TYPE IIA; PTC SYNDROME; SIPPLE SYNDROME; MEN 2A; MEN-2A syndrome; Pheochromocytoma and amyloid producing medullary thyroid carcinoma. Identifiers: Orphanet 247698, Orphanet 653, MedGen C0025268, MeSH D018813, MONDO:0008234, OMIM 171400.
Familial medullary thyroid carcinoma (MTC). Also called: Thyroid cancer, familial medullary; MTC, familial; Familial Medullary Thyroid Carcinoma (FMTC). Identifiers: Orphanet 653, Orphanet 99361, MedGen C1833921, MONDO:0007958, OMIM 155240.

Allele frequency attached by ClinVar (database versions not stated): gnomAD exomes below 0.00001; gnomAD 0.00001; TOPMed 0.00003.
gnomAD v4.1: 3 of 1,610,792 alleles (0.00019%); highest among the groups gnomAD compares: African/African-American, 0.004%; no homozygotes.

Submissions (5):

Color Diagnostics, LLC DBA Color Health
Classification: Likely benign for Multiple endocrine neoplasia, type 2. Last evaluated: 2025-11-10. Review status: criteria provided, single submitter. Criteria: ACMG Guidelines, 2015. Collection method: clinical testing. Allele origin: germline.

Labcorp Genetics (formerly Invitae), Labcorp
Classification: Likely benign for Multiple endocrine neoplasia, type 2. Last evaluated: 2024-03-20. Review status: criteria provided, single submitter. Criteria: Invitae Variant Classification Sherloc (09022015). Collection method: clinical testing. Allele origin: germline.

Fulgent Genetics
Classification: Uncertain significance for Hirschsprung disease, susceptibility to, 1; Familial medullary thyroid carcinoma; Multiple endocrine neoplasia type 2B; Pheochromocytoma; Multiple endocrine neoplasia type 2A. Last evaluated: 2022-03-02. Review status: criteria provided, single submitter. Criteria: ACMG Guidelines, 2015. Collection method: clinical testing. Allele origin: unknown.

Ambry Genetics
Classification: Likely benign for Hereditary cancer-predisposing syndrome. Last evaluated: 2020-09-16. Review status: criteria provided, single submitter. Criteria: Ambry Variant Classification Scheme 2023. Collection method: clinical testing. Allele origin: germline.

PreventionGenetics, part of Exact Sciences
Classification: Likely benign for RET-related condition. Last evaluated: 2020-08-24. Review status: no assertion criteria provided. Collection method: clinical testing. Allele origin: germline. Not counted in ClinVar's aggregate classification.
Comment: This variant is classified as likely benign based on ACMG/AMP sequence variant interpretation guidelines (Richards et al. 2015 PMID: 25741868, with internal and published modifications).

NM_020975.6(RET):c.750C>T (p.Arg250=)

Gene: RET (ret proto-oncogene; plus strand). Cytogenetic location: 10q11.21.
Variant type: single nucleotide variant.
Coding change: c.750C>T on transcript NM_020975.6 (MANE Select); coding-DNA position 750, C replaced by T.
Protein change: p.Arg250=; no amino-acid change (arginine 250 retained).
Molecular consequence: synonymous variant. On other transcripts: 5 prime UTR variant (1), intron variant (22).
Genome position (GRCh38, 1-based): chr10:43,105,076, C>T. VCF-style: chr10-43105076-C-T. GRCh37 (hg19) VCF-style: chr10-43600524-C-T.
Other names: c.750C>T, p.Arg250= (NM_000323.2, NM_001406743.1, NM_001406744.1 and 8 more transcripts); c.-13C>T (NM_001355216.2); c.621C>T, p.Arg207= (NM_001406761.1, NM_001406762.1, NM_001406764.1 and 2 more transcripts); c.462C>T, p.Arg154= (NM_001406766.1, NM_001406767.1, NM_001406770.1); c.625+2447C>T (NM_001406773.1, NM_001406771.1, NM_001406782.1 and 5 more transcripts); c.496+2447C>T (NM_001406786.1, NM_001406783.1); c.338-3955C>T (NM_001406778.1, NM_001406775.1, NM_001406776.1 and 1 more transcripts); c.337+4354C>T (NM_001406790.1, NM_001406788.1, NM_001406789.1 and 1 more transcripts); and 2 more.
Identifiers: ClinVar variation 939898 (VCV000939898.14), dbSNP rs1013952995, ClinGen allele CA206256823.